The following is an entry in ClinVar:

NM_000059.4(BRCA2):c.4141A>T (p.Lys1381Ter)

Gene: BRCA2 (BRCA2 DNA repair associated; plus strand). Cytogenetic location: 13q13.1.
Variant type: single nucleotide variant.
Coding change: c.4141A>T on transcript NM_000059.4 (MANE Select); coding-DNA position 4141, A replaced by T.
Protein change: p.Lys1381Ter; replaces lysine 1381 with a stop codon.
Molecular consequence: nonsense. On other transcripts: non-coding transcript variant (1), intron variant (2).
Genome position (GRCh38, 1-based): chr13:32,338,496, A>T. VCF-style: chr13-32338496-A-T. GRCh37 (hg19) VCF-style: chr13-32912633-A-T.
Other names: c.4141A>T, p.Lys1381Ter (NM_001406719.1, NM_001406720.1, NM_001432077.1); c.1909+5109A>T (NM_001406721.1); c.425-6062A>T (NM_001406722.1); short protein forms K1381*.
Identifiers: ClinVar variation 4071149 (VCV004071149.1).

ClinVar aggregate classification (germline): Pathogenic (1 of 4 stars; one submission).

Conditions:
Breast-ovarian cancer, familial, susceptibility to, 2 (BROVCA2). Also called: BRCA2 Hereditary Breast and Ovarian Cancer. Identifiers: Orphanet 145, MedGen C2675520, MONDO:0012933, OMIM 612555. Disease mechanism: loss of function.

Submission:

Myriad Genetics, Inc.
Classification: Pathogenic for Breast-ovarian cancer, familial, susceptibility to, 2. Last evaluated: 2025-06-11. Review status: criteria provided, single submitter. Criteria: Myriad Autosomal Dominant, Autosomal Recessive and X-Linked Classification Criteria (2023). Collection method: clinical testing. Allele origin: unknown.
Comment: This variant is considered pathogenic. This variant creates a termination codon and is predicted to result in premature protein truncation.